The following is an entry in ClinVar:

ClinVar aggregate classification (germline): Uncertain significance. Review status: criteria provided, multiple submitters, no conflicts (2 of 4 stars). 2 submissions from 2 submitters: Uncertain significance (2). Last evaluated 2025-01-06.

Conditions:
Ataxia-telangiectasia syndrome (AT). Also called: Ataxia telangiectasia (A-T); LOUIS-BAR SYNDROME; AT, COMPLEMENTATION GROUP C; ATAXIA-TELANGIECTASIA, COMPLEMENTATION GROUP A; ATAXIA-TELANGIECTASIA, FRESNO VARIANT; Ataxia-telangiectasia. Identifiers: Orphanet 100, MedGen C0004135, MONDO:0008840, OMIM 208900.

Submissions (2):

Labcorp Genetics (formerly Invitae), Labcorp
Classification: Uncertain significance for Ataxia-telangiectasia syndrome. Last evaluated: 2025-01-06. Review status: criteria provided, single submitter. Criteria: Invitae Variant Classification Sherloc (09022015). Collection method: clinical testing. Allele origin: germline.
Comment: This sequence change replaces serine, which is neutral and polar, with tyrosine, which is neutral and polar, at codon 933 of the ATM protein (p.Ser933Tyr). This variant is not present in population databases (gnomAD no frequency). This variant has not been reported in the literature in individuals affected with ATM-related conditions. ClinVar contains an entry for this variant (Variation ID: 1306194). Invitae Evidence Modeling of protein sequence and biophysical properties (such as structural, functional, and spatial information, amino acid conservation, physicochemical variation, residue mobility, and thermodynamic stability) indicates that this missense variant is not expected to disrupt ATM protein function with a negative predictive value of 95%. In summary, the available evidence is currently insufficient to determine the role of this variant in disease. Therefore, it has been classified as a Variant of Uncertain Significance.

GeneDx
Classification: Uncertain significance. Last evaluated: 2019-05-21. Review status: criteria provided, single submitter. Criteria: GeneDx Variant Classification Process June 2021. Collection method: clinical testing. Allele origin: germline. Affected: yes.
Comment: Not observed in large population cohorts (Lek et al., 2016); In silico analysis, which includes protein predictors and evolutionary conservation, supports that this variant does not alter protein structure/function; Has not been previously published as pathogenic or benign to our knowledge

NM_000051.4(ATM):c.2798C>A (p.Ser933Tyr)

Gene: ATM (ATM serine/threonine kinase; plus strand). Cytogenetic location: 11q22.3.
Variant type: single nucleotide variant.
Coding change: c.2798C>A on transcript NM_000051.4 (MANE Select); coding-DNA position 2798, C replaced by A.
Protein change: p.Ser933Tyr; replaces serine 933 with tyrosine.
Molecular consequence: missense variant.
Genome position (GRCh38, 1-based): chr11:108,268,569, C>A. VCF-style: chr11-108268569-C-A. GRCh37 (hg19) VCF-style: chr11-108139296-C-A.
Other names: c.2798C>A, p.Ser933Tyr (NM_001351834.2); short protein forms S933Y.
Identifiers: ClinVar variation 1306194 (VCV001306194.5), dbSNP rs56087610, ClinGen allele CA382545652.